The following is an entry in ClinVar:

ClinVar aggregate classification (germline): Uncertain significance (1 of 4 stars; one submission).

Submission:

GeneDx
Classification: Uncertain significance. Last evaluated: 2025-03-23. Review status: criteria provided, single submitter. Criteria: GeneDx Variant Classification Process June 2021. Collection method: clinical testing. Allele origin: germline. Affected: yes.
Comment: Not observed at significant frequency in large population cohorts (gnomAD); In silico analysis indicates that this missense variant does not alter protein structure/function; Has not been previously published as pathogenic or benign to our knowledge

NM_144973.4(DENND5B):c.1347G>C (p.Lys449Asn)

Gene: DENND5B (DENN domain containing 5B; minus strand). Cytogenetic location: 12p11.21.
Variant type: single nucleotide variant.
Coding change: c.1347G>C on transcript NM_144973.4 (MANE Select); coding-DNA position 1347, G replaced by C.
Protein change: p.Lys449Asn; replaces lysine 449 with asparagine.
Molecular consequence: missense variant.
Genome position (GRCh38, 1-based): chr12:31,452,222, C>G on the plus strand (G>C on the coding strand, the complement: DENND5B is on the minus strand). VCF-style: chr12-31452222-C-G. GRCh37 (hg19) VCF-style: chr12-31605156-C-G.
Other names: c.1452G>C, p.Lys484Asn (NM_001308339.2); c.1413G>C, p.Lys471Asn (NM_001366890.1, NM_001366893.1); c.816G>C, p.Lys272Asn (NM_001366891.1); c.1347G>C, p.Lys449Asn (NM_001366892.1); short protein forms K471N, K272N, K449N, K484N.
Identifiers: ClinVar variation 4088148 (VCV004088148.1).
Genomic context (GRCh38, chr12:31,452,222, plus strand): 5'-TTCCACAGCCACACCAGTACGCTTGGCCAGAGCCTGCAAGCGGGCTATGGTTTCATTGCC[C>G]TTCAGTAACTCATACATGCTGATGTTATTAGTACAGACATTGCCGTTCTTTTTGTCATTG-3'
Protein context (NP_659410.3, residues 439-459): TNNISMYELL[Lys449Asn]GNETIARLQA